The following is an entry in ClinVar:

ClinVar aggregate classification (germline): Uncertain significance. Review status: criteria provided, multiple submitters, no conflicts (2 of 4 stars). 2 submissions from 2 submitters: Uncertain significance (2). Last evaluated 2024-08-28.

Conditions:
Epidermolysis bullosa simplex with nail dystrophy (EBS5D). Identifiers: MedGen C4225309, MONDO:0014661, OMIM 616487.
Epidermolysis bullosa simplex 5B, with muscular dystrophy (EBS5B). Also called: EPIDERMOLYSIS BULLOSA SIMPLEX AND LIMB-GIRDLE MUSCULAR DYSTROPHY; Epidermolysis bullosa simplex with muscular dystrophy. Identifiers: Orphanet 257, MedGen C2931072, MONDO:0009181, OMIM 226670.
Epidermolysis bullosa simplex, Ogna type (EBS5A). Also called: Pidermolysis bullosa simplex 5A, Ogna type; EPIDERMOLYSIS BULLOSA SIMPLEX 5A, OGNA TYPE. Identifiers: Orphanet 79401, MedGen C0432317, MONDO:0007555, OMIM 131950.
Epidermolysis bullosa simplex 5C, with pyloric atresia (EBS5C). Also called: Epidermolysis bullosa simplex with pyloric atresia; PLEC-Related Epidermolysis Bullosa with Pyloric Atresia; PLEC1-Related Epidermolysis Bullosa with Pyloric Atresia. Identifiers: Orphanet 158684, MedGen C2677349, MONDO:0012807, OMIM 612138.
Autosomal recessive limb-girdle muscular dystrophy type 2Q (LGMDR17). Also called: MUSCULAR DYSTROPHY, LIMB-GIRDLE, AUTOSOMAL RECESSIVE 17. Identifiers: Orphanet 254361, MedGen C3150989, MONDO:0013390, OMIM 613723.

Allele frequency attached by ClinVar (database versions not stated): TOPMed below 0.00001; gnomAD exomes 0.00001.
gnomAD v4.1: 7 of 1,612,622 alleles (0.00043%); highest among the groups gnomAD compares: South Asian, 0.0022%; no homozygotes.

Submissions (2):

Labcorp Genetics (formerly Invitae), Labcorp
Classification: Uncertain significance for Autosomal recessive limb-girdle muscular dystrophy type 2Q; Epidermolysis bullosa simplex, Ogna type; Epidermolysis bullosa simplex with nail dystrophy; Epidermolysis bullosa simplex 5C, with pyloric atresia; Epidermolysis bullosa simplex 5B, with muscular dystrophy. Last evaluated: 2024-08-28. Review status: criteria provided, single submitter. Criteria: Invitae Variant Classification Sherloc (09022015). Collection method: clinical testing. Allele origin: germline.
Comment: This sequence change replaces arginine, which is basic and polar, with cysteine, which is neutral and slightly polar, at codon 4166 of the PLEC protein (p.Arg4166Cys). This variant is present in population databases (no rsID available, gnomAD 0.0009%). This variant has not been reported in the literature in individuals affected with PLEC-related conditions. ClinVar contains an entry for this variant (Variation ID: 2191183). Invitae Evidence Modeling of protein sequence and biophysical properties (such as structural, functional, and spatial information, amino acid conservation, physicochemical variation, residue mobility, and thermodynamic stability) indicates that this missense variant is not expected to disrupt PLEC protein function with a negative predictive value of 80%. In summary, the available evidence is currently insufficient to determine the role of this variant in disease. Therefore, it has been classified as a Variant of Uncertain Significance.

Athena Diagnostics
Classification: Uncertain significance. Last evaluated: 2024-01-11. Review status: criteria provided, single submitter. Criteria: Athena Diagnostics Criteria. Collection method: clinical testing. Allele origin: unknown.
Comment: Available data are insufficient to determine the clinical significance of the variant at this time. The frequency of this variant in the general population is uninformative in assessment of its pathogenicity. Computational tools disagree on the variant's effect on normal protein function.

NM_201384.3(PLEC):c.12415C>T (p.Arg4139Cys)

Gene: PLEC (plectin; minus strand). Cytogenetic location: 8q24.3.
Variant type: single nucleotide variant.
Coding change: c.12415C>T on transcript NM_201384.3 (MANE Select); coding-DNA position 12415, C replaced by T.
Protein change: p.Arg4139Cys; replaces arginine 4139 with cysteine.
Molecular consequence: missense variant.
Genome position (GRCh38, 1-based): chr8:143,917,406, G>A on the plus strand (C>T on the coding strand, the complement: PLEC is on the minus strand). VCF-style: chr8-143917406-G-A. GRCh37 (hg19) VCF-style: chr8-144991574-G-A.
Other names: c.12496C>T (NM_000445.3); c.12496C>T, p.Arg4166Cys (NM_000445.5); c.9115C>T, p.Arg3039Cys (NM_001410941.1); c.12373C>T, p.Arg4125Cys (NM_201378.4); c.12349C>T, p.Arg4117Cys (NM_201379.3); c.12826C>T, p.Arg4276Cys (NM_201380.4); c.12319C>T, p.Arg4107Cys (NM_201381.3); c.12415C>T, p.Arg4139Cys (NM_201382.4); and 1 more; short protein forms R4139C, R3039C, R4143C, R4107C, R4125C, R4117C, R4166C, R4276C.
Identifiers: ClinVar variation 2191183 (VCV002191183.5), dbSNP rs1554671995, ClinGen allele CA372482087.